The following is an entry in ClinVar:

ClinVar aggregate classification (germline): Likely benign (1 of 4 stars; one submission).

gnomAD v4.1: 3,652 of 610,272 alleles (0.6%); highest among the groups gnomAD compares: Middle Eastern, 1.1%; 7 homozygotes.

Submission:

CeGaT Center for Human Genetics Tuebingen
Classification: Likely benign. Last evaluated: 2025-05-01. Review status: criteria provided, single submitter. Criteria: CeGaT Center For Human Genetics Tuebingen Variant Classification Criteria Version 2. Collection method: clinical testing. Allele origin: germline. Affected: yes. Observed: 1 variant allele.
Comment: TAF8: BP4, BP7, BS2

NM_138572.3(TAF8):c.*2207C>T

Gene: TAF8 (TATA-box binding protein associated factor 8; plus strand). Cytogenetic location: 6p21.1.
Variant type: single nucleotide variant.
Coding change: c.*2207C>T on transcript NM_138572.3 (MANE Select); 2207 bases downstream of the stop codon, C replaced by T.
Molecular consequence: 3 prime UTR variant. On other transcripts: synonymous variant (1), intron variant (1).
Genome position (GRCh38, 1-based): chr6:42,079,752, C>T. VCF-style: chr6-42079752-C-T. GRCh37 (hg19) VCF-style: chr6-42047490-C-T.
Other names: c.937C>T, p.Leu313= (NM_001410906.1); c.920+2513C>T (NM_001410907.1).
Identifiers: ClinVar variation 3905624 (VCV003905624.10).